The following is an entry in ClinVar:

NM_003073.5(SMARCB1):c.410A>G (p.Asn137Ser)

Gene: SMARCB1 (SWI/SNF related BAF chromatin remodeling complex subunit B1; plus strand). Cytogenetic location: 22q11.23.
Variant type: single nucleotide variant.
Coding change: c.410A>G on transcript NM_003073.5 (MANE Select); coding-DNA position 410, A replaced by G.
Protein change: p.Asn137Ser; replaces asparagine 137 with serine.
Molecular consequence: missense variant.
Genome position (GRCh38, 1-based): chr22:23,800,991, A>G. VCF-style: chr22-23800991-A-G. GRCh37 (hg19) VCF-style: chr22-24143178-A-G.
Other names: c.383A>G, p.Asn128Ser (NM_001007468.3, NM_001317946.2); c.410A>G, p.Asn137Ser (NM_001362877.2); short protein forms N128S, N137S.
Identifiers: ClinVar variation 4170247 (VCV004170247.1).
Genomic context (GRCh38, chr22:23,800,991, plus strand): 5'-TGTATCTCCTCAGGGAACAGAAGGCCAAGAGGAACAGCCAGTGGGTACCCACCCTGCCCA[A>G]CAGCTCCCACCACTTAGATGCCGTGCCATGCTCCACAACCATCAACAGGAACCGCATGGG-3'
Protein context (NP_003064.2, residues 127-147): RNSQWVPTLP[Asn137Ser]SSHHLDAVPC

ClinVar aggregate classification (germline): Uncertain significance (1 of 4 stars; one submission).

Conditions:
Hereditary cancer-predisposing syndrome. Also called: Neoplastic Syndromes, Hereditary; Tumor predisposition; Hereditary Cancer Syndrome; Hereditary neoplastic syndrome. Identifiers: Orphanet 140162, MedGen C0027672, MeSH D009386, MONDO:0015356.

gnomAD v4.1: 1 of 1,614,104 alleles (0.000062%); no homozygotes.

Submission:

Ambry Genetics
Classification: Uncertain significance for Hereditary cancer-predisposing syndrome. Last evaluated: 2025-09-06. Review status: criteria provided, single submitter. Criteria: Ambry Variant Classification Scheme 2023. Collection method: clinical testing. Allele origin: germline.
Comment: The p.N137S variant (also known as c.410A>G), located in coding exon 4 of the SMARCB1 gene, results from an A to G substitution at nucleotide position 410. The asparagine at codon 137 is replaced by serine, an amino acid with highly similar properties. This amino acid position is highly conserved in available vertebrate species. In addition, this alteration is predicted to be tolerated by in silico analysis. Based on the available evidence, the clinical significance of this variant remains unclear.